The following is an entry in ClinVar:

ClinVar aggregate classification (germline): Uncertain significance (1 of 4 stars; one submission).

Conditions:
Combined oxidative phosphorylation defect type 17. Also called: Combined oxidative phosphorylation deficiency 17. Identifiers: Orphanet 369913, MedGen C3809526, MONDO:0014190, OMIM 615440.

Allele frequency attached by ClinVar (database versions not stated): TOPMed below 0.00001.

Submission:

Labcorp Genetics (formerly Invitae), Labcorp
Classification: Uncertain significance for Combined oxidative phosphorylation defect type 17. Last evaluated: 2021-09-01. Review status: criteria provided, single submitter. Criteria: Invitae Variant Classification Sherloc (09022015). Collection method: clinical testing. Allele origin: germline.
Comment: This sequence change falls in intron 15 of the ELAC2 gene. It does not directly change the encoded amino acid sequence of the ELAC2 protein. It affects a nucleotide within the consensus splice site of the intron. This variant is not present in population databases (ExAC no frequency). This variant has not been reported in the literature in individuals affected with ELAC2-related conditions. ClinVar contains an entry for this variant (Variation ID: 241268). Variants that disrupt the consensus splice site are a relatively common cause of aberrant splicing (PMID: 17576681, 9536098). Algorithms developed to predict the effect of sequence changes on RNA splicing suggest that this variant is not likely to affect RNA splicing. In summary, the available evidence is currently insufficient to determine the role of this variant in disease. Therefore, it has been classified as a Variant of Uncertain Significance.

Literature cited by the submitters: PubMed 17576681; PubMed 9536098.

NM_018127.7(ELAC2):c.1424-3C>T

Gene: ELAC2 (elaC ribonuclease Z 2; minus strand). Cytogenetic location: 17p12.
Variant type: single nucleotide variant.
Coding change: c.1424-3C>T on transcript NM_018127.7 (MANE Select); 3 bases into the intron before coding-DNA position 1424, C replaced by T.
Molecular consequence: intron variant.
Genome position (GRCh38, 1-based): chr17:12,998,511, G>A on the plus strand (C>T on the coding strand, the complement: ELAC2 is on the minus strand). VCF-style: chr17-12998511-G-A. GRCh37 (hg19) VCF-style: chr17-12901828-G-A.
Other names: c.1304-3C>T (NM_001165962.2); c.1421-3C>T (NM_173717.2).
Identifiers: ClinVar variation 241268 (VCV000241268.4), dbSNP rs878855048, ClinGen allele CA10583449.